The following is an entry in ClinVar:

ClinVar aggregate classification (germline): Uncertain significance (1 of 4 stars; one submission).

Allele frequency attached by ClinVar (database versions not stated): TOPMed below 0.00001; gnomAD 0.00001.

Submission:

Labcorp Genetics (formerly Invitae), Labcorp
Classification: Uncertain significance. Last evaluated: 2022-05-16. Review status: criteria provided, single submitter. Criteria: Invitae Variant Classification Sherloc (09022015). Collection method: clinical testing. Allele origin: germline.
Comment: This sequence change replaces glycine, which is neutral and non-polar, with serine, which is neutral and polar, at codon 229 of the USH1C protein (p.Gly229Ser). The frequency data for this variant in the population databases is considered unreliable, as metrics indicate poor data quality at this position in the gnomAD database. This variant has not been reported in the literature in individuals affected with USH1C-related conditions. Algorithms developed to predict the effect of missense changes on protein structure and function (SIFT, PolyPhen-2, Align-GVGD) all suggest that this variant is likely to be disruptive. Algorithms developed to predict the effect of sequence changes on RNA splicing suggest that this variant may create or strengthen a splice site. In summary, the available evidence is currently insufficient to determine the role of this variant in disease. Therefore, it has been classified as a Variant of Uncertain Significance.

NM_153676.4(USH1C):c.685G>A (p.Gly229Ser)

Gene: USH1C (USH1 protein network component harmonin; minus strand). Cytogenetic location: 11p15.1.
Variant type: single nucleotide variant.
Coding change: c.685G>A on transcript NM_153676.4 (MANE Select); coding-DNA position 685, G replaced by A.
Protein change: p.Gly229Ser; replaces glycine 229 with serine.
Molecular consequence: missense variant. On other transcripts: non-coding transcript variant (1).
Genome position (GRCh38, 1-based): chr11:17,524,525, C>T on the plus strand (G>A on the coding strand, the complement: USH1C is on the minus strand). VCF-style: chr11-17524525-C-T. GRCh37 (hg19) VCF-style: chr11-17546072-C-T.
Other names: c.685G>A, p.Gly229Ser (NM_001297764.2, NM_005709.4); short protein forms G229S.
Identifiers: ClinVar variation 1385080 (VCV001385080.3), dbSNP rs759639970, ClinGen allele CA379791280.
Genomic context (GRCh38, chr11:17,524,525, plus strand): 5'-CAGCAGACAGGGAGCCAGGTTTCACATGGCTGATAAAGATGCCAGGCTTCTGGATGGGGC[C>T]GCTGGAAATGCTGCGGGAGGTGGGAAATGTGTGCTCGGGATTCAGGTAACCCATGTCCAG-3'
Protein context (NP_710142.1, residues 219-239): SRGLGCSISS[Gly229Ser]PIQKPGIFIS